The following is an entry in ClinVar:

NM_001797.4(CDH11):c.641C>T (p.Thr214Ile)

Gene: CDH11 (cadherin 11; minus strand). Cytogenetic location: 16q21.
Variant type: single nucleotide variant.
Coding change: c.641C>T on transcript NM_001797.4 (MANE Select); coding-DNA position 641, C replaced by T.
Protein change: p.Thr214Ile; replaces threonine 214 with isoleucine.
Molecular consequence: missense variant.
Genome position (GRCh38, 1-based): chr16:64,992,917, G>A on the plus strand (C>T on the coding strand, the complement: CDH11 is on the minus strand). VCF-style: chr16-64992917-G-A. GRCh37 (hg19) VCF-style: chr16-65026820-G-A.
Other names: c.641C>T, p.Thr214Ile (NM_001308392.2); c.263C>T, p.Thr88Ile (NM_001330576.2); short protein forms T214I, T88I.
Identifiers: ClinVar variation 3767710 (VCV003767710.1).

ClinVar aggregate classification (germline): Uncertain significance (1 of 4 stars; one submission).

Submission:

GeneDx
Classification: Uncertain significance. Last evaluated: 2024-08-30. Review status: criteria provided, single submitter. Criteria: GeneDx Variant Classification Process June 2021. Collection method: clinical testing. Allele origin: germline. Affected: yes.
Comment: Not observed at significant frequency in large population cohorts (gnomAD); In silico analysis supports that this missense variant has a deleterious effect on protein structure/function; Has not been previously published as pathogenic or benign to our knowledge